The following is an entry in ClinVar:

ClinVar aggregate classification (germline): Uncertain significance (1 of 4 stars; one submission).

gnomAD v4.1: 1 of 1,614,240 alleles (0.000062%); highest among the groups gnomAD compares: Non-Finnish European, 0.000085%; no homozygotes.

Submission:

Labcorp Genetics (formerly Invitae), Labcorp
Classification: Uncertain significance. Last evaluated: 2025-11-01. Review status: criteria provided, single submitter. Criteria: Invitae Variant Classification Sherloc (09022015). Collection method: clinical testing. Allele origin: germline.
Comment: This sequence change replaces serine, which is neutral and polar, with arginine, which is basic and polar, at codon 205 of the CSF2RB protein (p.Ser205Arg). This variant is not present in population databases (gnomAD no frequency). This variant has not been reported in the literature in individuals affected with CSF2RB-related conditions. Invitae Evidence Modeling of protein sequence and biophysical properties (such as structural, functional, and spatial information, amino acid conservation, physicochemical variation, residue mobility, and thermodynamic stability) indicates that this missense variant is expected to disrupt CSF2RB protein function with a positive predictive value of 80%. In summary, the available evidence is currently insufficient to determine the role of this variant in disease. Therefore, it has been classified as a Variant of Uncertain Significance.

NM_000395.3(CSF2RB):c.615C>A (p.Ser205Arg)

Gene: CSF2RB (colony stimulating factor 2 receptor subunit beta; plus strand). Cytogenetic location: 22q12.3.
Variant type: single nucleotide variant.
Coding change: c.615C>A on transcript NM_000395.3 (MANE Select); coding-DNA position 615, C replaced by A.
Protein change: p.Ser205Arg; replaces serine 205 with arginine.
Molecular consequence: missense variant.
Genome position (GRCh38, 1-based): chr22:36,929,704, C>A. VCF-style: chr22-36929704-C-A. GRCh37 (hg19) VCF-style: chr22-37325746-C-A.
Other names: c.615C>A, p.Ser205Arg (NM_001410827.1); short protein forms S205R.
Identifiers: ClinVar variation 4803793 (VCV004803793.1).
Genomic context (GRCh38, chr22:36,929,704, plus strand): 5'-AGCCATCCTCCTCTCCAACACCTCCCAGGCCACCCTGGGGCCAGAGCACCTCATGCCCAG[C>A]AGCACCTACGTGGCCCGAGTACGGACCCGCCTGGCCCCAGGTTCTCGGCTCTCAGGACGT-3'
Protein context (NP_000386.1, residues 195-215): ATLGPEHLMP[Ser205Arg]STYVARVRTR